The following is an entry in ClinVar:

ClinVar aggregate classification (germline): Pathogenic/Likely pathogenic. Review status: criteria provided, multiple submitters, no conflicts (2 of 4 stars). 2 submissions from 2 submitters: Pathogenic (1); Likely pathogenic (1). Last evaluated 2025-04-21.

Conditions:
Gaucher disease. Also called: Kerasin lipoidosis; Kerasin thesaurismosis; Acute cerebral Gaucher disease; Cerebroside lipidosis syndrome; Gaucher splenomegaly; Sphingolipidosis 1. Identifiers: Orphanet 355, MedGen C0017205, MONDO:0018150.

gnomAD v4.1: 3 of 1,614,134 alleles (0.00019%); highest among the groups gnomAD compares: Non-Finnish European, 0.000085%; no homozygotes.

Submissions (2):

Revvity Omics, Revvity
Classification: Pathogenic. Last evaluated: 2025-04-21. Review status: criteria provided, single submitter. Criteria: ACMG Guidelines, 2015. Collection method: clinical testing. Allele origin: germline.

Natera, Inc.
Classification: Likely pathogenic for Gaucher disease. Last evaluated: 2025-04-14. Review status: criteria provided, single submitter. Criteria: Natera Variant Classification Schema (03/2026). Collection method: clinical testing. Allele origin: germline.
Comment: The c.245C>T variant in GBA1 is a missense variant predicted to cause substitution of threonine to isoleucine at amino acid 82. This variant is rare in the general population with a frequency below the threshold expected for the associated phenotype(s). This variant has been observed in one or more individuals affected with the associated recessive disease, as either homozygous or compound heterozygous with a second variant (PMID: 23765538, 32165122, 7655857, 28185830). Computational prediction algorithms indicate this variant is likely to affect gene or protein function. Given the available evidence, this variant is classified as Likely Pathogenic.

Literature cited by the submitters: PubMed 23765538 (cited by Natera, Inc.); PubMed 32165122 (cited by Natera, Inc.); PubMed 7655857 (cited by Natera, Inc.); PubMed 28185830 (cited by Natera, Inc.).

NM_000157.4(GBA1):c.245C>T (p.Thr82Ile)

Genes: GBA1 (glucosylceramidase beta 1; minus strand), LOC106627981 (GBA recombination region; plus strand). Cytogenetic location: 1q22.
Variant type: single nucleotide variant.
Coding change: c.245C>T on transcript NM_000157.4 (MANE Select); coding-DNA position 245, C replaced by T.
Protein change: p.Thr82Ile; replaces threonine 82 with isoleucine.
Molecular consequence: missense variant. On other transcripts: 5 prime UTR variant (1).
Genome position (GRCh38, 1-based): chr1:155,239,948, G>A on the plus strand (C>T on the coding strand, the complement: GBA1 is on the minus strand). VCF-style: chr1-155239948-G-A. GRCh37 (hg19) VCF-style: chr1-155209739-G-A.
Other names: c.245C>T (NM_000157.3); c.245C>T, p.Thr82Ile (NM_001005741.3, NM_001005742.3, NM_001171812.2); c.-17C>T (NM_001171811.2); short protein forms T82I.
Identifiers: ClinVar variation 4079277 (VCV004079277.2).